The following is an entry in ClinVar:

NM_001144869.3(LIPT2):c.280C>T (p.Pro94Ser)

Genes: LIPT2 (lipoyl(octanoyl) transferase 2; minus strand), LIPT2-AS1 (LIPT2 antisense RNA 1; plus strand). Cytogenetic location: 11q13.4.
Variant type: single nucleotide variant.
Coding change: c.280C>T on transcript NM_001144869.3 (MANE Select); coding-DNA position 280, C replaced by T.
Protein change: p.Pro94Ser; replaces proline 94 with serine.
Molecular consequence: missense variant. On other transcripts: non-coding transcript variant (1), intron variant (1).
Genome position (GRCh38, 1-based): chr11:74,493,424, G>A on the plus strand (C>T on the coding strand, the complement: LIPT2 is on the minus strand). VCF-style: chr11-74493424-G-A. GRCh37 (hg19) VCF-style: chr11-74204469-G-A.
Other names: c.280C>T, p.Pro94Ser (NM_001329941.2); c.237+43C>T (NM_001329942.2); short protein forms P94S.
Identifiers: ClinVar variation 1433262 (VCV001433262.7), dbSNP rs548483364, ClinGen allele CA6184923.

ClinVar aggregate classification (germline): Uncertain significance (1 of 4 stars; one submission).

Allele frequency attached by ClinVar (database versions not stated): 1000 Genomes Project 30x 0.00047; 1000 Genomes Project 0.00060.
gnomAD v4.1: 49 of 1,508,040 alleles (0.0032%); highest among the groups gnomAD compares: Middle Eastern, 0.038%; no homozygotes.

Submission:

Labcorp Genetics (formerly Invitae), Labcorp
Classification: Uncertain significance. Last evaluated: 2025-11-12. Review status: criteria provided, single submitter. Criteria: Invitae Variant Classification Sherloc (09022015). Collection method: clinical testing. Allele origin: germline.
Comment: This sequence change replaces proline, which is neutral and non-polar, with serine, which is neutral and polar, at codon 94 of the LIPT2 protein (p.Pro94Ser). This variant is not present in population databases (gnomAD no frequency). This variant has not been reported in the literature in individuals affected with LIPT2-related conditions. ClinVar contains an entry for this variant (Variation ID: 1433262). An algorithm developed to predict the effect of missense changes on protein structure and function (PolyPhen-2) suggests that this variant is likely to be disruptive. In summary, the available evidence is currently insufficient to determine the role of this variant in disease. Therefore, it has been classified as a Variant of Uncertain Significance.